The following is an entry in ClinVar:

NM_001267550.2(TTN):c.70983G>A (p.Pro23661=)

Genes: TTN (titin; minus strand), TTN-AS1 (TTN antisense RNA 1; plus strand). Cytogenetic location: 2q31.2.
Variant type: single nucleotide variant.
Coding change: c.70983G>A on transcript NM_001267550.2 (MANE Select); coding-DNA position 70983, G replaced by A.
Protein change: p.Pro23661=; no amino-acid change (proline 23661 retained).
Molecular consequence: synonymous variant.
Genome position (GRCh38, 1-based): chr2:178,575,149, C>T on the plus strand (G>A on the coding strand, the complement: TTN is on the minus strand). VCF-style: chr2-178575149-C-T. GRCh37 (hg19) VCF-style: chr2-179439876-C-T.
Other names: c.66060G>A, p.Pro22020= (NM_001256850.1); c.43788G>A, p.Pro14596= (NM_003319.4); c.63279G>A, p.Pro21093= (NM_133378.4); c.44163G>A, p.Pro14721= (NM_133432.3); c.44364G>A, p.Pro14788= (NM_133437.4).
Identifiers: ClinVar variation 597547 (VCV000597547.20), dbSNP rs568193318, ClinGen allele CA1990693.

ClinVar aggregate classification (germline): Conflicting classifications of pathogenicity. Review status: criteria provided, conflicting classifications (1 of 4 stars). 7 submissions from 7 submitters: Uncertain significance (1); Likely benign (6). Last evaluated 2026-01-06.

Conditions:
Dilated cardiomyopathy 1G (CMD1G). Identifiers: Orphanet 154, MedGen C1858763, MONDO:0011400, OMIM 604145.
Autosomal recessive limb-girdle muscular dystrophy type 2J (LGMDR10). Also called: MUSCULAR DYSTROPHY, LIMB-GIRDLE, AUTOSOMAL RECESSIVE 10; Limb-girdle muscular dystrophy, type 2J. Identifiers: Orphanet 140922, MedGen C1837342, MONDO:0012127, OMIM 608807.
Cardiovascular phenotype. Identifiers: MedGen CN230736.
Cardiomyopathy (CMYO). Also called: Cardiomyopathies. Identifiers: Orphanet 167848, MedGen C0878544, MONDO:0004994, HP:0001638. Inheritance: Various modes of inheritance.
TTN-related disorder. Also called: TTN-related condition; TTN-related disease; TTN-related disorders.

Allele frequency attached by ClinVar (database versions not stated): gnomAD 0.00002 and 0.00003; TOPMed 0.00002; ExAC 0.00003; gnomAD exomes 0.00004; 1000 Genomes Project 30x 0.00016; 1000 Genomes Project 0.00020.
gnomAD v4.1: 59 of 1,612,692 alleles (0.0037%); highest among the groups gnomAD compares: South Asian, 0.0077%; no homozygotes.

Submissions (7):

PreventionGenetics, part of Exact Sciences
Classification: Likely benign for TTN-related condition. Last evaluated: 2026-01-06. Review status: criteria provided, single submitter. Criteria: ACMG Guidelines, 2015. Collection method: clinical testing. Allele origin: germline.
Comment: This variant is classified as likely benign based on ACMG/AMP sequence variant interpretation guidelines (Richards et al. 2015 PMID: 25741868, with internal and published modifications).

Labcorp Genetics (formerly Invitae), Labcorp
Classification: Likely benign for Dilated cardiomyopathy 1G; Autosomal recessive limb-girdle muscular dystrophy type 2J. Last evaluated: 2025-08-14. Review status: criteria provided, single submitter. Criteria: Invitae Variant Classification Sherloc (09022015). Collection method: clinical testing. Allele origin: germline.

Ambry Genetics
Classification: Likely benign for Cardiovascular phenotype. Last evaluated: 2024-05-05. Review status: criteria provided, single submitter. Criteria: Ambry Variant Classification Scheme 2023. Collection method: clinical testing. Allele origin: germline.

Women's Health and Genetics/Laboratory Corporation of America, LabCorp
Classification: Likely benign. Last evaluated: 2023-08-19. Review status: criteria provided, single submitter. Criteria: LabCorp Variant Classification Summary - May 2015. Collection method: clinical testing. Allele origin: germline.

Blueprint Genetics
Classification: Likely benign. Last evaluated: 2023-07-11. Review status: criteria provided, single submitter. Criteria: ACMG Guidelines, 2015. Collection method: clinical testing. Allele origin: germline.

CHEO Genetics Diagnostic Laboratory, Children's Hospital of Eastern Ontario
Classification: Likely benign for Cardiomyopathy. Last evaluated: 2022-07-07. Review status: criteria provided, single submitter. Criteria: ACMG Guidelines, 2015. Collection method: clinical testing. Allele origin: germline.

Eurofins Ntd Llc (ga)
Classification: Uncertain significance. Last evaluated: 2018-06-18. Review status: criteria provided, single submitter. Criteria: EGL ClinVar v180209 classification definitions. Collection method: clinical testing. Allele origin: germline. Observed: 1 variant allele, 1 heterozygote.